The following is an entry in ClinVar:

ClinVar aggregate classification (germline): Uncertain significance. Review status: criteria provided, multiple submitters, no conflicts (2 of 4 stars). 2 submissions from 2 submitters: Uncertain significance (2). Last evaluated 2023-07-19.

Conditions:
Myofibrillar myopathy 5. Also called: Filaminopathy (type); FILAMINOPATHY, AUTOSOMAL DOMINANT. Identifiers: Orphanet 171445, MedGen C1836050, MONDO:0012289, OMIM 609524.
Distal myopathy with posterior leg and anterior hand involvement. Also called: WILLIAMS DISTAL MYOPATHY. Identifiers: Orphanet 63273, MedGen C3279722, MONDO:0013550, OMIM 614065.
Hypertrophic cardiomyopathy 26. Also called: Cardiomyopathy, familial hypertrophic, 26. Identifiers: Orphanet 75249, MedGen C4310749, MONDO:0014883, OMIM 617047.

Allele frequency attached by ClinVar (database versions not stated): TOPMed below 0.00001; gnomAD 0.00001.
gnomAD v4.1: 2 of 1,613,652 alleles (0.00012%); highest among the groups gnomAD compares: African/African-American, 0.0013%; no homozygotes.

Submissions (2):

Labcorp Genetics (formerly Invitae), Labcorp
Classification: Uncertain significance for Distal myopathy with posterior leg and anterior hand involvement; Myofibrillar myopathy 5; Hypertrophic cardiomyopathy 26. Last evaluated: 2023-07-19. Review status: criteria provided, single submitter. Criteria: Invitae Variant Classification Sherloc (09022015). Collection method: clinical testing. Allele origin: germline.
Comment: This sequence change replaces histidine, which is basic and polar, with arginine, which is basic and polar, at codon 2023 of the FLNC protein (p.His2023Arg). In summary, the available evidence is currently insufficient to determine the role of this variant in disease. Therefore, it has been classified as a Variant of Uncertain Significance. Advanced modeling of protein sequence and biophysical properties (such as structural, functional, and spatial information, amino acid conservation, physicochemical variation, residue mobility, and thermodynamic stability) has been performed at Invitae for this missense variant, however the output from this modeling did not meet the statistical confidence thresholds required to predict the impact of this variant on FLNC protein function. ClinVar contains an entry for this variant (Variation ID: 1314338). This variant has not been reported in the literature in individuals affected with FLNC-related conditions. This variant is not present in population databases (gnomAD no frequency).

GeneDx
Classification: Uncertain significance. Last evaluated: 2021-03-26. Review status: criteria provided, single submitter. Criteria: GeneDx Variant Classification Process June 2021. Collection method: clinical testing. Allele origin: germline. Affected: yes.
Comment: Not observed in large population cohorts (Lek et al., 2016); In silico analysis supports that this missense variant has a deleterious effect on protein structure/function; Has not been previously published as pathogenic or benign to our knowledge

NM_001458.5(FLNC):c.6068A>G (p.His2023Arg)

Genes: FLNC (filamin C; plus strand), FLNC-AS1 (FLNC antisense RNA 1; minus strand). Cytogenetic location: 7q32.1.
Variant type: single nucleotide variant.
Coding change: c.6068A>G on transcript NM_001458.5 (MANE Select); coding-DNA position 6068, A replaced by G.
Protein change: p.His2023Arg; replaces histidine 2023 with arginine.
Molecular consequence: missense variant.
Genome position (GRCh38, 1-based): chr7:128,852,891, A>G. VCF-style: chr7-128852891-A-G. GRCh37 (hg19) VCF-style: chr7-128492945-A-G.
Other names: c.5969A>G, p.His1990Arg (NM_001127487.2); short protein forms H1990R, H2023R.
Identifiers: ClinVar variation 1314338 (VCV001314338.7), dbSNP rs1808882683, ClinGen allele CA369211143.
Genomic context (GRCh38, chr7:128,852,891, plus strand): 5'-TCTCCTTCACCCCCAAGGAGGTCGGGGAGCACGTGGTGAGCGTGCGCAAGAGTGGCAAGC[A>G]TGTCACCAACAGCCCCTTCAAGATCCTGGTGGGGCCATCTGAGATCGGGGACGCCAGCAA-3'
Protein context (NP_001449.3, residues 2013-2033): HVVSVRKSGK[His2023Arg]VTNSPFKILV